The following is an entry in ClinVar:

ClinVar aggregate classification (germline): Uncertain significance. Review status: criteria provided, multiple submitters, no conflicts (2 of 4 stars). 3 submissions from 3 submitters: Uncertain significance (3). Last evaluated 2025-11-05.

Conditions:
Inborn genetic diseases. Identifiers: MedGen C0950123, MeSH D030342.
FOCAD-related disorder. Also called: FOCAD-related condition.

Allele frequency attached by ClinVar (database versions not stated): ExAC 0.00003; gnomAD exomes 0.00003; ESP Exome Variant Server 0.00015.
gnomAD v4.1: 57 of 1,613,764 alleles (0.0035%); highest among the groups gnomAD compares: African/African-American, 0.043%; no homozygotes.

Submissions (3):

Labcorp Genetics (formerly Invitae), Labcorp
Classification: Uncertain significance. Last evaluated: 2025-11-05. Review status: criteria provided, single submitter. Criteria: Invitae Variant Classification Sherloc (09022015). Collection method: clinical testing. Allele origin: germline.
Comment: This sequence change replaces valine, which is neutral and non-polar, with isoleucine, which is neutral and non-polar, at codon 1173 of the FOCAD protein (p.Val1173Ile). This variant is present in population databases (rs150113844, gnomAD 0.02%). This variant has not been reported in the literature in individuals affected with FOCAD-related conditions. ClinVar contains an entry for this variant (Variation ID: 2402393). Experimental studies and prediction algorithms are not available or were not evaluated, and the functional significance of this variant is currently unknown. In summary, the available evidence is currently insufficient to determine the role of this variant in disease. Therefore, it has been classified as a Variant of Uncertain Significance.

PreventionGenetics, part of Exact Sciences
Classification: Uncertain significance for FOCAD-related condition. Last evaluated: 2025-07-23. Review status: criteria provided, single submitter. Criteria: ACMG Guidelines, 2015. Collection method: clinical testing. Allele origin: germline.
Comment: The FOCAD c.3517G>A variant is predicted to result in the amino acid substitution p.Val1173Ile. To our knowledge, this variant has not been reported in the literature. This variant is reported in 0.028% of alleles in individuals of African descent in gnomAD and is classified as a variant of uncertain significance in ClinVar (Variation ID: 2402393). At this time, the clinical significance of this variant is uncertain due to the absence of conclusive functional and genetic evidence.

Ambry Genetics
Classification: Uncertain significance for Inborn genetic diseases. Last evaluated: 2021-07-14. Review status: criteria provided, single submitter. Criteria: Ambry Variant Classification Scheme 2023. Collection method: clinical testing. Allele origin: germline.

NM_001375567.1(FOCAD):c.3517G>A (p.Val1173Ile)

Gene: FOCAD (focadhesin; plus strand). Cytogenetic location: 9p21.3.
Variant type: single nucleotide variant.
Coding change: c.3517G>A on transcript NM_001375567.1 (MANE Select); coding-DNA position 3517, G replaced by A.
Protein change: p.Val1173Ile; replaces valine 1173 with isoleucine.
Molecular consequence: missense variant.
Genome position (GRCh38, 1-based): chr9:20,944,736, G>A. VCF-style: chr9-20944736-G-A. GRCh37 (hg19) VCF-style: chr9-20944735-G-A.
Other names: c.3517G>A (NM_017794.4); c.3412G>A, p.Val1138Ile (NM_001375568.1, NM_001375570.1); c.3517G>A, p.Val1173Ile (NM_017794.5); short protein forms V1173I, V1138I.
Identifiers: ClinVar variation 2402393 (VCV002402393.5), dbSNP rs150113844, ClinGen allele CA5007582.